The following is an entry in ClinVar:

ClinVar aggregate classification (germline): Pathogenic (1 of 4 stars; one submission).

Conditions:
Duchenne muscular dystrophy (DMD). Also called: MUSCULAR DYSTROPHY, PSEUDOHYPERTROPHIC PROGRESSIVE, DUCHENNE TYPE; Duchenne Muscular Dystrophy (DMD). Identifiers: Orphanet 98896, MedGen C0013264, MONDO:0010679, OMIM 310200.

Submission:

Labcorp Genetics (formerly Invitae), Labcorp
Classification: Pathogenic for Duchenne muscular dystrophy. Last evaluated: 2017-08-01. Review status: criteria provided, single submitter. Criteria: Invitae Variant Classification Sherloc (09022015). Collection method: clinical testing. Allele origin: germline.
Comment: This variant is a gross duplication of the genomic region encompassing exons 64-67 of the DMD gene. While the exact position of the duplicated exons cannot be determined from this data, the duplicated copy of this region is likely in tandem and may result in an absent or disrupted protein product. Sub-genic duplications are generally in tandem (PMID: 25640679), and result in an absent or disrupted protein. Loss-of-function variants in DMD are known to be pathogenic (PMID: 16770791, 25007885). For these reasons, this variant has been classified as Pathogenic.

Literature cited by the submitters: PubMed 17253928; PubMed 17854090; PubMed 17561468.

NC_000023.10:g.(?_31222078)_(31241238_?)dup

Gene: DMD (dystrophin; minus strand). Cytogenetic location: Xp21.2.
Variant type: Duplication.
Identifiers: ClinVar variation 584367 (VCV000584367.1).